The following is an entry in ClinVar:

NM_005732.4(RAD50):c.3164+1G>C

Gene: RAD50 (RAD50 double strand break repair protein; plus strand). Cytogenetic location: 5q31.1.
Variant type: single nucleotide variant.
Coding change: c.3164+1G>C on transcript NM_005732.4 (MANE Select); the canonical splice donor site of the intron after coding-DNA position 3164, G replaced by C.
Molecular consequence: splice donor variant.
Genome position (GRCh38, 1-based): chr5:132,616,131, G>C. VCF-style: chr5-132616131-G-C. GRCh37 (hg19) VCF-style: chr5-131951823-G-C.
Identifiers: ClinVar variation 480468 (VCV000480468.5), dbSNP rs786203805, ClinGen allele CA360963999.

ClinVar aggregate classification (germline): Likely pathogenic (1 of 4 stars; one submission).

Conditions:
Hereditary cancer-predisposing syndrome. Also called: Hereditary Cancer Syndrome; Neoplastic Syndromes, Hereditary; Tumor predisposition; Hereditary neoplastic syndrome. Identifiers: Orphanet 140162, MedGen C0027672, MeSH D009386, MONDO:0015356.

Submission:

Ambry Genetics
Classification: Likely pathogenic for Hereditary cancer-predisposing syndrome. Last evaluated: 2017-01-12. Review status: criteria provided, single submitter. Criteria: Ambry Variant Classification Scheme 2023. Collection method: clinical testing. Allele origin: germline.
Comment: The c.3164+1G>C intronic variant results from a G to C substitution one nucleotide after coding exon 20 of the RAD50 gene. This nucleotide position is highly conserved in available vertebrate species. Using the BDGP and ESEfinder splice site prediction tools, this alteration is predicted to abolish the native splice donor site; however, direct evidence is unavailable. Alterations that disrupt the canonical splice site are expected to cause aberrant splicing, resulting in an abnormal protein or a transcript that is subject to nonsense-mediated mRNA decay. As such, this alteration is classified as likely pathogenic.